The following is an entry in ClinVar:

ClinVar aggregate classification (germline): Uncertain significance (1 of 4 stars; one submission).

Conditions:
Hereditary cancer-predisposing syndrome. Also called: Neoplastic Syndromes, Hereditary; Hereditary Cancer Syndrome; Hereditary neoplastic syndrome; Tumor predisposition. Identifiers: Orphanet 140162, MedGen C0027672, MeSH D009386, MONDO:0015356.

Submission:

Ambry Genetics
Classification: Uncertain significance for Hereditary cancer-predisposing syndrome. Last evaluated: 2023-03-31. Review status: criteria provided, single submitter. Criteria: Ambry Variant Classification Scheme 2023. Collection method: clinical testing. Allele origin: germline.
Comment: The p.D983V variant (also known as c.2948A>T), located in coding exon 18 of the PTCH1 gene, results from an A to T substitution at nucleotide position 2948. The aspartic acid at codon 983 is replaced by valine, an amino acid with highly dissimilar properties. This amino acid position is conserved. In addition, the in silico prediction for this alteration is inconclusive. Since supporting evidence is limited at this time, the clinical significance of this alteration remains unclear.

NM_000264.5(PTCH1):c.2948A>T (p.Asp983Val)

Gene: PTCH1 (patched 1; minus strand). Cytogenetic location: 9q22.32.
Variant type: single nucleotide variant.
Coding change: c.2948A>T on transcript NM_000264.5 (MANE Select); coding-DNA position 2948, A replaced by T.
Protein change: p.Asp983Val; replaces aspartic acid 983 with valine.
Molecular consequence: missense variant. On other transcripts: non-coding transcript variant (1).
Genome position (GRCh38, 1-based): chr9:95,458,233, T>A on the plus strand (A>T on the coding strand, the complement: PTCH1 is on the minus strand). VCF-style: chr9-95458233-T-A. GRCh37 (hg19) VCF-style: chr9-98220515-T-A.
Other names: c.2750A>T, p.Asp917Val (NM_001083602.3); c.2945A>T, p.Asp982Val (NM_001083603.3); c.2495A>T, p.Asp832Val (NM_001083604.3, NM_001083605.3, NM_001083606.3 and 1 more transcripts); c.2792A>T, p.Asp931Val (NM_001354918.2); short protein forms D832V, D982V, D917V, D931V, D983V.
Identifiers: ClinVar variation 2564365 (VCV002564365.2), dbSNP rs2538069346, ClinGen allele CA374112722.